The following is an entry in ClinVar:

NM_005529.7(HSPG2):c.7319G>A (p.Arg2440Gln)

Gene: HSPG2 (heparan sulfate proteoglycan 2; minus strand). Cytogenetic location: 1p36.12.
Variant type: single nucleotide variant.
Coding change: c.7319G>A on transcript NM_005529.7 (MANE Select); coding-DNA position 7319, G replaced by A.
Protein change: p.Arg2440Gln; replaces arginine 2440 with glutamine.
Molecular consequence: missense variant.
Genome position (GRCh38, 1-based): chr1:21,850,168, C>T on the plus strand (G>A on the coding strand, the complement: HSPG2 is on the minus strand). VCF-style: chr1-21850168-C-T. GRCh37 (hg19) VCF-style: chr1-22176661-C-T.
Other names: c.7319G>A (NM_005529.5, NM_005529.6); c.7322G>A, p.Arg2441Gln (NM_001291860.2); short protein forms R2441Q, R2440Q.
Identifiers: ClinVar variation 1983177 (VCV001983177.9), dbSNP rs779169378, ClinGen allele CA671228.
Genomic context (GRCh38, chr1:21,850,168, plus strand): 5'-ACGAGGCAGTTCAGGTCCAGGGTCTGCCCCTCGGCCACTTGCGAAGACGATGACTCGATC[C>T]GGACCGTGGGGGTGACCCCAAGTGCTGGGGACAGAGGGCAAAGGGTCAATAGCCGGCTAG-3'
Protein context (NP_005520.4, residues 2430-2450): VPALGVTPTV[Arg2440Gln]IESSSSQVAE

ClinVar aggregate classification (germline): Uncertain significance. Review status: criteria provided, multiple submitters, no conflicts (2 of 4 stars). 4 submissions from 4 submitters: Uncertain significance (4). Last evaluated 2025-10-24.

Conditions:
HSPG2-related disorder. Also called: HSPG2-related condition; HSPG2-related disorders.
Inborn genetic diseases. Identifiers: MedGen C0950123, MeSH D030342.

Allele frequency attached by ClinVar (database versions not stated): gnomAD exomes 0.00001; TOPMed 0.00002; ExAC 0.00003; gnomAD 0.00003.
gnomAD v4.1: 21 of 1,613,274 alleles (0.0013%); highest among the groups gnomAD compares: Middle Eastern, 0.016%; no homozygotes.

Submissions (4):

PreventionGenetics, part of Exact Sciences
Classification: Uncertain significance for HSPG2-related condition. Last evaluated: 2025-10-24. Review status: criteria provided, single submitter. Criteria: ACMG Guidelines, 2015. Collection method: clinical testing. Allele origin: germline.
Comment: The HSPG2 c.7319G>A variant is predicted to result in the amino acid substitution p.Arg2440Gln. To our knowledge, this variant has not been reported in the literature. This variant is reported in 0.0054% of alleles in individuals of East Asian descent in gnomAD. At this time, the clinical significance of this variant is uncertain due to the absence of conclusive functional and genetic evidence.

Ambry Genetics
Classification: Uncertain significance for Inborn genetic diseases. Last evaluated: 2025-03-10. Review status: criteria provided, single submitter. Criteria: Ambry Variant Classification Scheme 2023. Collection method: clinical testing. Allele origin: germline.

Labcorp Genetics (formerly Invitae), Labcorp
Classification: Uncertain significance. Last evaluated: 2022-05-03. Review status: criteria provided, single submitter. Criteria: Invitae Variant Classification Sherloc (09022015). Collection method: clinical testing. Allele origin: germline.
Comment: In summary, the available evidence is currently insufficient to determine the role of this variant in disease. Therefore, it has been classified as a Variant of Uncertain Significance. Algorithms developed to predict the effect of sequence changes on RNA splicing suggest that this variant may create or strengthen a splice site. Algorithms developed to predict the effect of missense changes on protein structure and function are either unavailable or do not agree on the potential impact of this missense change (SIFT: "Tolerated"; PolyPhen-2: "Probably Damaging"; Align-GVGD: "Class C0"). This variant has not been reported in the literature in individuals affected with HSPG2-related conditions. This variant is present in population databases (rs779169378, gnomAD 0.006%). This sequence change replaces arginine, which is basic and polar, with glutamine, which is neutral and polar, at codon 2440 of the HSPG2 protein (p.Arg2440Gln).

Revvity Omics, Revvity
Classification: Uncertain significance. Last evaluated: 2019-01-16. Review status: criteria provided, single submitter. Criteria: ACMG Guidelines, 2015. Collection method: clinical testing. Allele origin: germline.